The following is an entry in ClinVar:

NM_000057.4(BLM):c.1393C>T (p.Pro465Ser)

Gene: BLM (BLM RecQ like helicase; plus strand). Cytogenetic location: 15q26.1.
Variant type: single nucleotide variant.
Coding change: c.1393C>T on transcript NM_000057.4 (MANE Select); coding-DNA position 1393, C replaced by T.
Protein change: p.Pro465Ser; replaces proline 465 with serine.
Molecular consequence: missense variant.
Genome position (GRCh38, 1-based): chr15:90,760,766, C>T. VCF-style: chr15-90760766-C-T. GRCh37 (hg19) VCF-style: chr15-91303996-C-T.
Other names: c.1393C>T, p.Pro465Ser (NM_001287246.2, NM_001287247.2); c.268C>T, p.Pro90Ser (NM_001287248.2); short protein forms P465S, P90S.
Identifiers: ClinVar variation 5032895 (VCV005032895.1).

ClinVar aggregate classification (germline): Uncertain significance (1 of 4 stars; one submission).

Conditions:
Hereditary cancer-predisposing syndrome. Also called: Neoplastic Syndromes, Hereditary; Tumor predisposition; Hereditary neoplastic syndrome; Hereditary Cancer Syndrome. Identifiers: Orphanet 140162, MedGen C0027672, MeSH D009386, MONDO:0015356.

Submission:

Ambry Genetics
Classification: Uncertain significance for Hereditary cancer-predisposing syndrome. Last evaluated: 2026-07-06. Review status: criteria provided, single submitter. Criteria: Ambry Variant Classification Scheme 2023. Collection method: clinical testing. Allele origin: germline.
Comment: The p.P465S variant (also known as c.1393C>T), located in coding exon 6 of the BLM gene, results from a C to T substitution at nucleotide position 1393. The proline at codon 465 is replaced by serine, an amino acid with similar properties. This amino acid position is conserved. In addition, this alteration is predicted to be tolerated by in silico analysis. Based on the available evidence, the clinical significance of this variant remains unclear.